The following is an entry in ClinVar:

ClinVar aggregate classification (germline): Likely benign (1 of 4 stars; one submission).

Conditions:
NPHP4-related disorder. Also called: NPHP4-related condition; NPHP4-related disorders. Identifiers: MedGen CN239384.

Submission:

PreventionGenetics, part of Exact Sciences
Classification: Likely benign for NPHP4-related condition. Last evaluated: 2026-06-16. Review status: criteria provided, single submitter. Criteria: ACMG Guidelines, 2015. Collection method: clinical testing. Allele origin: germline.
Comment: This variant is classified as likely benign based on ACMG/AMP sequence variant interpretation guidelines (Richards et al. 2015 PMID: 25741868, with internal and published modifications).

NM_015102.5(NPHP4):c.2877G>A (p.Arg959=)

Gene: NPHP4 (nephrocystin 4; minus strand). Cytogenetic location: 1p36.31.
Variant type: single nucleotide variant.
Coding change: c.2877G>A on transcript NM_015102.5 (MANE Select); coding-DNA position 2877, G replaced by A.
Protein change: p.Arg959=; no amino-acid change (arginine 959 retained).
Molecular consequence: synonymous variant. On other transcripts: non-coding transcript variant (1).
Genome position (GRCh38, 1-based): chr1:5,875,041, C>T on the plus strand (G>A on the coding strand, the complement: NPHP4 is on the minus strand). VCF-style: chr1-5875041-C-T. GRCh37 (hg19) VCF-style: chr1-5935101-C-T.
Other names: c.1338G>A, p.Arg446= (NM_001291593.2); c.1341G>A, p.Arg447= (NM_001291594.2).
Identifiers: ClinVar variation 4992721 (VCV004992721.1).